The following is an entry in ClinVar:

ClinVar aggregate classification (germline): Uncertain significance (1 of 4 stars; one submission).

Submission:

Women's Health and Genetics/Laboratory Corporation of America, LabCorp
Classification: Uncertain significance. Last evaluated: 2023-09-27. Review status: criteria provided, single submitter. Criteria: LabCorp Variant Classification Summary - May 2015. Collection method: clinical testing. Allele origin: germline.
Comment: Variant summary: SPINK1 c.35T>C (p.Leu12Ser) results in a non-conservative amino acid change in the encoded protein sequence. Three of five in-silico tools predict a damaging effect of the variant on protein function. The variant was absent in 250630 control chromosomes (gnomAD). The available data on variant occurrences in the general population are insufficient to allow any conclusion about variant significance. To our knowledge, no occurrence of c.35T>C in individuals with Chronic Pancreatitis or increased Chronic Pancreatitis Risk and no experimental evidence demonstrating its impact on protein function have been reported. No submitters have cited clinical-significance assessments for this variant to ClinVar after 2014. Based on the evidence outlined above, the variant was classified as uncertain significance.

NM_001379610.1(SPINK1):c.35T>C (p.Leu12Ser)

Gene: SPINK1 (serine peptidase inhibitor Kazal type 1; minus strand). Cytogenetic location: 5q32.
Variant type: single nucleotide variant.
Coding change: c.35T>C on transcript NM_001379610.1 (MANE Select); coding-DNA position 35, T replaced by C.
Protein change: p.Leu12Ser; replaces leucine 12 with serine.
Molecular consequence: missense variant.
Genome position (GRCh38, 1-based): chr5:147,831,543, A>G on the plus strand (T>C on the coding strand, the complement: SPINK1 is on the minus strand). VCF-style: chr5-147831543-A-G. GRCh37 (hg19) VCF-style: chr5-147211106-A-G.
Other names: c.35T>C, p.Leu12Ser (NM_001354966.2, NM_003122.5); short protein forms L12S.
Identifiers: ClinVar variation 2627340 (VCV002627340.1), dbSNP rs2480208396, ClinGen allele CA361885520.